The following is an entry in ClinVar:

NM_005585.5(SMAD6):c.389C>A (p.Ser130Ter)

Gene: SMAD6 (SMAD family member 6; plus strand). Cytogenetic location: 15q22.31.
Variant type: single nucleotide variant.
Coding change: c.389C>A on transcript NM_005585.5 (MANE Select); coding-DNA position 389, C replaced by A.
Protein change: p.Ser130Ter; replaces serine 130 with a stop codon.
Molecular consequence: nonsense. On other transcripts: non-coding transcript variant (1).
Genome position (GRCh38, 1-based): chr15:66,703,647, C>A. VCF-style: chr15-66703647-C-A. GRCh37 (hg19) VCF-style: chr15-66995985-C-A.
Other names: short protein forms S130*.
Identifiers: ClinVar variation 690415 (VCV000690415.6), dbSNP rs1160042861, ClinGen allele CA392949454.
Genomic context (GRCh38, chr15:66,703,647, plus strand): 5'-CGGGAGGCCCGGGCTGGCTGCCCGAGAGTGACTGCGAGACGGTGACCTGCTGTCTCTTTT[C>A]GGAGCGGGACGCCGCCGGCGCGCCCCGGGACGCCAGCGACCCCCTGGCCGGGGCGGCCCT-3'

ClinVar aggregate classification (germline): Conflicting classifications of pathogenicity. Review status: criteria provided, conflicting classifications (1 of 4 stars). 4 submissions from 4 submitters: Likely pathogenic (1); Uncertain significance (2). 1 of the submissions does not count toward it. Last evaluated 2024-05-13.

Conditions:
Aortic valve disease 2 (AOVD2). Identifiers: MedGen C3542024, MONDO:0013902, OMIM 614823.
Radioulnar synostosis. Also called: Congenital radioulnar synostosis. Identifiers: Orphanet 3269, MedGen C0158761, MONDO:0017985, HP:0002974.

gnomAD v4.1: 4 of 1,231,800 alleles (0.00032%); highest among the groups gnomAD compares: Admixed American, 0.0044%; no homozygotes.

Submissions (4):

Labcorp Genetics (formerly Invitae), Labcorp
Classification: Uncertain significance for Aortic valve disease 2. Last evaluated: 2024-05-13. Review status: criteria provided, single submitter. Criteria: Invitae Variant Classification Sherloc (09022015). Collection method: clinical testing. Allele origin: germline.
Comment: This sequence change creates a premature translational stop signal (p.Ser130*) in the SMAD6 gene. It is expected to result in an absent or disrupted protein product. However, the current clinical and genetic evidence is not sufficient to establish whether loss-of-function variants in SMAD6 cause disease. This variant is not present in population databases (gnomAD no frequency). This premature translational stop signal has been observed in individual(s) with SMAD6-related conditions (PMID: 31138930). ClinVar contains an entry for this variant (Variation ID: 690415). Algorithms developed to predict the effect of sequence changes on RNA splicing suggest that this variant may create or strengthen a splice site. In summary, the available evidence is currently insufficient to determine the role of this variant in disease. Therefore, it has been classified as a Variant of Uncertain Significance.

Blueprint Genetics
Classification: Uncertain significance. Last evaluated: 2023-09-27. Review status: criteria provided, single submitter. Criteria: ACMG Guidelines, 2015. Collection method: clinical testing. Allele origin: germline.

GeneDx
Classification: Likely pathogenic. Last evaluated: 2023-01-27. Review status: criteria provided, single submitter. Criteria: GeneDx Variant Classification Process June 2021. Collection method: clinical testing. Allele origin: germline. Affected: yes.
Comment: Identified by exome sequencing in an individual with radioulnar synostosis (Yang et al., 2019); Nonsense variant predicted to result in protein truncation or nonsense mediated decay in a gene for which loss of function is a known mechanism of disease; Not observed at significant frequency in large population cohorts (gnomAD); This variant is associated with the following publications: (PMID: 31138930)

The Laboratory of Genetics and Metabolism, Hunan Children’s Hospital
Classification: Pathogenic for radioulnar synostosis. Last evaluated: 2019-05-14. Review status: no assertion criteria provided. Collection method: case-control. Allele origin: unknown. Affected: yes. Not counted in ClinVar's aggregate classification.
Comment: PVS1, PM2, PP3, PP4

Literature cited by the submitters: PubMed 31138930 (cited by Labcorp Genetics (formerly Invitae), Labcorp).